The following is an entry in ClinVar:

ClinVar aggregate classification (germline): Likely benign. Review status: criteria provided, multiple submitters, no conflicts (2 of 4 stars). 2 submissions from 2 submitters: Likely benign (2). Last evaluated 2025-09-08.

Allele frequency attached by ClinVar (database versions not stated): gnomAD exomes below 0.00001; ExAC 0.00001.
gnomAD v4.1: 7 of 1,614,176 alleles (0.00043%); highest among the groups gnomAD compares: East Asian, 0.0045%; no homozygotes.

Submissions (2):

Labcorp Genetics (formerly Invitae), Labcorp
Classification: Likely benign. Last evaluated: 2025-09-08. Review status: criteria provided, single submitter. Criteria: Invitae Variant Classification Sherloc (09022015). Collection method: clinical testing. Allele origin: germline.

CeGaT Center for Human Genetics Tuebingen
Classification: Likely benign. Last evaluated: 2024-03-01. Review status: criteria provided, single submitter. Criteria: CeGaT Center For Human Genetics Tuebingen Variant Classification Criteria Version 2. Collection method: clinical testing. Allele origin: germline. Affected: yes. Observed: 2 variant alleles.
Comment: AP2M1: BP4, BP7

NM_004068.4(AP2M1):c.1242C>T (p.Ser414=)

Gene: AP2M1 (adaptor related protein complex 2 subunit mu 1; plus strand). Cytogenetic location: 3q27.1.
Variant type: single nucleotide variant.
Coding change: c.1242C>T on transcript NM_004068.4 (MANE Select); coding-DNA position 1242, C replaced by T.
Protein change: p.Ser414=; no amino-acid change (serine 414 retained).
Molecular consequence: synonymous variant.
Genome position (GRCh38, 1-based): chr3:184,183,550, C>T. VCF-style: chr3-184183550-C-T. GRCh37 (hg19) VCF-style: chr3-183901338-C-T.
Other names: c.1236C>T, p.Ser412= (NM_001025205.2); c.1317C>T, p.Ser439= (NM_001311198.2).
Identifiers: ClinVar variation 1896062 (VCV001896062.27), dbSNP rs778990308, ClinGen allele CA2727925.